The following is an entry in ClinVar:

ClinVar aggregate classification (germline): Uncertain significance (1 of 4 stars; one submission).

Submission:

Labcorp Genetics (formerly Invitae), Labcorp
Classification: Uncertain significance. Last evaluated: 2025-06-27. Review status: criteria provided, single submitter. Criteria: Invitae Variant Classification Sherloc (09022015). Collection method: clinical testing. Allele origin: germline.
Comment: This sequence change falls in intron 49 of the MTOR gene. It does not directly change the encoded amino acid sequence of the MTOR protein. It affects a nucleotide within the consensus splice site. This variant is not present in population databases (gnomAD no frequency). This variant has not been reported in the literature in individuals affected with MTOR-related conditions. Variants that disrupt the consensus splice site are a relatively common cause of aberrant splicing (PMID: 17576681, 9536098). Algorithms developed to predict the effect of sequence changes on RNA splicing suggest that this variant is not likely to affect RNA splicing. In summary, the available evidence is currently insufficient to determine the role of this variant in disease. Therefore, it has been classified as a Variant of Uncertain Significance.

Literature cited by the submitters: PubMed 17576681; PubMed 9536098.

NM_004958.4(MTOR):c.6934-3T>C

Gene: MTOR (mechanistic target of rapamycin kinase; minus strand). Cytogenetic location: 1p36.22.
Variant type: single nucleotide variant.
Coding change: c.6934-3T>C on transcript NM_004958.4 (MANE Select); 3 bases into the intron before coding-DNA position 6934, T replaced by C.
Molecular consequence: intron variant.
Genome position (GRCh38, 1-based): chr1:11,117,089, A>G on the plus strand (T>C on the coding strand, the complement: MTOR is on the minus strand). VCF-style: chr1-11117089-A-G. GRCh37 (hg19) VCF-style: chr1-11177146-A-G.
Other names: c.5686-3T>C (NM_001386501.1); c.6934-3T>C (NM_001386500.1).
Identifiers: ClinVar variation 4714896 (VCV004714896.1).
Genomic context (GRCh38, chr1:11,117,089, plus strand): 5'-CAACCATTGACATGACCGCTAAAGAACGGGTATAATTGGTTCTTCGGTCAAACCACACCT[A>G]GAACACAGGAGTGCATGTGAACTACGGTTCTGGAAACTTTAATTTCAACATAATTATACT-3'